The following is an entry in ClinVar:

NM_001605.3(AARS1):c.2460A>T (p.Lys820Asn)

Gene: AARS1 (alanyl-tRNA synthetase 1; minus strand). Cytogenetic location: 16q22.1.
Variant type: single nucleotide variant.
Coding change: c.2460A>T on transcript NM_001605.3 (MANE Select); coding-DNA position 2460, A replaced by T.
Protein change: p.Lys820Asn; replaces lysine 820 with asparagine.
Molecular consequence: missense variant.
Genome position (GRCh38, 1-based): chr16:70,253,979, T>A on the plus strand (A>T on the coding strand, the complement: AARS1 is on the minus strand). VCF-style: chr16-70253979-T-A. GRCh37 (hg19) VCF-style: chr16-70287882-T-A.
Other names: short protein forms K820N.
Identifiers: ClinVar variation 1002764 (VCV001002764.8), dbSNP rs759906749, ClinGen allele CA8140403.
Genomic context (GRCh38, chr16:70,253,979, plus strand): 5'-TCGTTTCTGGACATCGGCTTTGCTGGCTCGGTCCAAGTCATCCATGACCTTCTTTAGGGA[T>A]TTGAGAGTCTCCCGCAATTCATCCTTCTGCCACTGGGGGATGACTGCAGTGGCCAGGGCC-3'
Protein context (NP_001596.2, residues 810-830): WQKDELRETL[Lys820Asn]SLKKVMDDLD

ClinVar aggregate classification (germline): Uncertain significance (1 of 4 stars; one submission).

Conditions:
Charcot-Marie-Tooth disease type 2. Also called: Charcot-Marie-Tooth type 2. Identifiers: Orphanet 64746, MedGen C0270914, MONDO:0018993.

Allele frequency attached by ClinVar (database versions not stated): gnomAD exomes 0.00001 and 0.00002; ExAC 0.00003; TOPMed below 0.00001.
gnomAD v4.1: 9 of 1,614,142 alleles (0.00056%); highest among the groups gnomAD compares: Admixed American, 0.013%; no homozygotes.

Submission:

Labcorp Genetics (formerly Invitae), Labcorp
Classification: Uncertain significance for Charcot-Marie-Tooth disease type 2. Last evaluated: 2025-06-27. Review status: criteria provided, single submitter. Criteria: Invitae Variant Classification Sherloc (09022015). Collection method: clinical testing. Allele origin: germline.
Comment: This sequence change replaces lysine, which is basic and polar, with asparagine, which is neutral and polar, at codon 820 of the AARS protein (p.Lys820Asn). This variant is present in population databases (rs759906749, gnomAD 0.02%). This variant has not been reported in the literature in individuals affected with AARS-related conditions. ClinVar contains an entry for this variant (Variation ID: 1002764). Invitae Evidence Modeling of protein sequence and biophysical properties (such as structural, functional, and spatial information, amino acid conservation, physicochemical variation, residue mobility, and thermodynamic stability) indicates that this missense variant is not expected to disrupt AARS protein function with a negative predictive value of 95%. In summary, the available evidence is currently insufficient to determine the role of this variant in disease. Therefore, it has been classified as a Variant of Uncertain Significance.